The following is an entry in ClinVar:

NM_000435.3(NOTCH3):c.6727C>T (p.Pro2243Ser)

Gene: NOTCH3 (notch receptor 3; minus strand). Cytogenetic location: 19p13.12.
Variant type: single nucleotide variant.
Coding change: c.6727C>T on transcript NM_000435.3 (MANE Select); coding-DNA position 6727, C replaced by T.
Protein change: p.Pro2243Ser; replaces proline 2243 with serine.
Molecular consequence: missense variant.
Genome position (GRCh38, 1-based): chr19:15,160,901, G>A on the plus strand (C>T on the coding strand, the complement: NOTCH3 is on the minus strand). VCF-style: chr19-15160901-G-A. GRCh37 (hg19) VCF-style: chr19-15271712-G-A.
Other names: short protein forms P2243S.
Identifiers: ClinVar variation 2784694 (VCV002784694.3), dbSNP rs2046634646, ClinGen allele CA404486583.
Genomic context (GRCh38, chr19:15,160,901, plus strand): 5'-GGGAGGGAGGTGAGGGGCTGGCCCAGTGCTCAGGGGATTCGGGGGATGGGGTCAGGTAAG[G>A]GTGCTCACTGGGAACCCGCAGGAAGCGGGCCTTTGGGGGGCTGCTGTGTGCCCCAGCCGC-3'
Protein context (NP_000426.2, residues 2233-2253): ARFLRVPSEH[Pro2243Ser]YLTPSPESPE

ClinVar aggregate classification (germline): Uncertain significance (1 of 4 stars; one submission).

Allele frequency attached by ClinVar (database versions not stated): gnomAD exomes below 0.00001; TOPMed 0.00001.
gnomAD v4.1: 1 of 1,611,324 alleles (0.000062%); highest among the groups gnomAD compares: Non-Finnish European, 0.000085%; no homozygotes.

Submission:

Labcorp Genetics (formerly Invitae), Labcorp
Classification: Uncertain significance. Last evaluated: 2023-10-04. Review status: criteria provided, single submitter. Criteria: Invitae Variant Classification Sherloc (09022015). Collection method: clinical testing. Allele origin: germline.
Comment: This sequence change replaces proline, which is neutral and non-polar, with serine, which is neutral and polar, at codon 2243 of the NOTCH3 protein (p.Pro2243Ser). This variant is not present in population databases (gnomAD no frequency). This variant has not been reported in the literature in individuals affected with NOTCH3-related conditions. Advanced modeling of protein sequence and biophysical properties (such as structural, functional, and spatial information, amino acid conservation, physicochemical variation, residue mobility, and thermodynamic stability) performed at Invitae indicates that this missense variant is not expected to disrupt NOTCH3 protein function. In summary, the available evidence is currently insufficient to determine the role of this variant in disease. Therefore, it has been classified as a Variant of Uncertain Significance.